The following is an entry in ClinVar:

NM_001903.5(CTNNA1):c.226G>A (p.Gly76Arg)

Gene: CTNNA1 (catenin alpha 1; plus strand). Cytogenetic location: 5q31.2.
Variant type: single nucleotide variant.
Coding change: c.226G>A on transcript NM_001903.5 (MANE Select); coding-DNA position 226, G replaced by A.
Protein change: p.Gly76Arg; replaces glycine 76 with arginine.
Molecular consequence: missense variant. On other transcripts: intron variant (2).
Genome position (GRCh38, 1-based): chr5:138,783,297, G>A. VCF-style: chr5-138783297-G-A. GRCh37 (hg19) VCF-style: chr5-138118986-G-A.
Other names: c.226G>A, p.Gly76Arg (NM_001290307.3, NM_001323982.2, NM_001323983.1 and 3 more transcripts); c.-6+25G>A (NM_001290310.3); c.-9+1268G>A (NM_001290309.3); short protein forms G76R.
Identifiers: ClinVar variation 1788758 (VCV001788758.2), dbSNP rs2149656630, ClinGen allele CA361477527.

ClinVar aggregate classification (germline): Uncertain significance (1 of 4 stars; one submission).

Conditions:
Hereditary cancer-predisposing syndrome. Also called: Hereditary Cancer Syndrome; Hereditary neoplastic syndrome; Tumor predisposition; Neoplastic Syndromes, Hereditary. Identifiers: Orphanet 140162, MedGen C0027672, MeSH D009386, MONDO:0015356.

Submission:

Ambry Genetics
Classification: Uncertain significance for Hereditary cancer-predisposing syndrome. Last evaluated: 2022-04-08. Review status: criteria provided, single submitter. Criteria: Ambry Variant Classification Scheme 2023. Collection method: clinical testing. Allele origin: germline.
Comment: The p.G76R variant (also known as c.226G>A), located in coding exon 2 of the CTNNA1 gene, results from a G to A substitution at nucleotide position 226. The glycine at codon 76 is replaced by arginine, an amino acid with dissimilar properties. This amino acid position is conserved. In addition, this alteration is predicted to be deleterious by in silico analysis. Since supporting evidence is limited at this time, the clinical significance of this alteration remains unclear.